The following is an entry in ClinVar:

NM_000135.4(FANCA):c.4156C>G (p.Leu1386Val)

Genes: FANCA (FA complementation group A; minus strand), ZNF276 (zinc finger protein 276; plus strand). Cytogenetic location: 16q24.3.
Variant type: single nucleotide variant.
Coding change: c.4156C>G on transcript NM_000135.4 (MANE Select); coding-DNA position 4156, C replaced by G.
Protein change: p.Leu1386Val; replaces leucine 1386 with valine.
Molecular consequence: missense variant. On other transcripts: 3 prime UTR variant (2), non-coding transcript variant (4).
Genome position (GRCh38, 1-based): chr16:89,739,144, G>C on the plus strand (C>G on the coding strand, the complement: FANCA is on the minus strand). VCF-style: chr16-89739144-G-C. GRCh37 (hg19) VCF-style: chr16-89805552-G-C.
Other names: c.4156C>G, p.Leu1386Val (NM_001286167.3); c.*898G>C (NM_001113525.2, NM_152287.4); short protein forms L1386V.
Identifiers: ClinVar variation 3848075 (VCV003848075.1).
Genomic context (GRCh38, chr16:89,739,144, plus strand): 5'-TCCGGCTGGGGGGAGCTCCCCTGGAGGTGGGACTGGCCCTTGCACCTGCCTGACCCTTGA[G>C]CTCCAGGCTCCTGCCAGCTGGAGGTGAAACTGTGCTTGTATCCCCAGCCACGAAGAGCTG-3'
Protein context (NP_000126.2, residues 1376-1396): VSPPAGRSLE[Leu1386Val]KGQGNPVELI

ClinVar aggregate classification (germline): Uncertain significance (1 of 4 stars; one submission).

Conditions:
Inborn genetic diseases. Identifiers: MedGen C0950123, MeSH D030342.

gnomAD v4.1: 1 of 1,614,138 alleles (0.000062%); highest among the groups gnomAD compares: Non-Finnish European, 0.000085%; no homozygotes.

Submission:

Ambry Genetics
Classification: Uncertain significance for Inborn genetic diseases. Last evaluated: 2025-01-03. Review status: criteria provided, single submitter. Criteria: Ambry Variant Classification Scheme 2023. Collection method: clinical testing. Allele origin: germline.
Comment: The p.L1386V variant (also known as c.4156C>G), located in coding exon 41 of the FANCA gene, results from a C to G substitution at nucleotide position 4156. The leucine at codon 1386 is replaced by valine, an amino acid with highly similar properties. This amino acid position is conserved. In addition, the in silico prediction for this alteration is inconclusive. Based on the available evidence, the clinical significance of this variant remains unclear.